The following is an entry in ClinVar:

ClinVar aggregate classification (germline): Uncertain significance (1 of 4 stars; one submission).

Submission:

GeneDx
Classification: Uncertain significance. Last evaluated: 2025-01-31. Review status: criteria provided, single submitter. Criteria: GeneDx Variant Classification Process June 2021. Collection method: clinical testing. Allele origin: germline. Affected: yes.
Comment: Not observed at significant frequency in large population cohorts (gnomAD); In silico analysis indicates that this missense variant does not alter protein structure/function; Has not been previously published as pathogenic or benign to our knowledge

NM_005475.3(SH2B3):c.11C>T (p.Pro4Leu)

Gene: SH2B3 (SH2B adaptor protein 3; plus strand). Cytogenetic location: 12q24.12.
Variant type: single nucleotide variant.
Coding change: c.11C>T on transcript NM_005475.3 (MANE Select); coding-DNA position 11, C replaced by T.
Protein change: p.Pro4Leu; replaces proline 4 with leucine.
Molecular consequence: missense variant.
Genome position (GRCh38, 1-based): chr12:111,418,156, C>T. VCF-style: chr12-111418156-C-T. GRCh37 (hg19) VCF-style: chr12-111855960-C-T.
Other names: short protein forms P4L.
Identifiers: ClinVar variation 4072752 (VCV004072752.1).